The following is an entry in ClinVar:

NM_170707.4(LMNA):c.104T>C (p.Leu35Pro)

Genes: LMNA (lamin A/C; plus strand), LOC129931597 (ATAC-STARR-seq lymphoblastoid silent region 1421; plus strand). Cytogenetic location: 1q22.
Variant type: single nucleotide variant.
Coding change: c.104T>C on transcript NM_170707.4 (MANE Select); coding-DNA position 104, T replaced by C.
Protein change: p.Leu35Pro; replaces leucine 35 with proline.
Molecular consequence: missense variant.
Genome position (GRCh38, 1-based): chr1:156,115,022, T>C. VCF-style: chr1-156115022-T-C. GRCh37 (hg19) VCF-style: chr1-156084813-T-C.
Other names: c.104T>C, p.Leu35Pro (NM_001282625.2, NM_001282626.2, NM_005572.4 and 1 more transcripts); short protein forms L35P.
Identifiers: ClinVar variation 66765 (VCV000066765.17), dbSNP rs267607644, ClinGen allele CA016503.
Genomic context (GRCh38, chr1:156,115,022, plus strand): 5'-AGGCCAGCTCCACTCCGCTGTCGCCCACCCGCATCACCCGGCTGCAGGAGAAGGAGGACC[T>C]GCAGGAGCTCAATGATCGCTTGGCGGTCTACATCGACCGTGTGCGCTCGCTGGAAACGGA-3'
Protein context (NP_733821.1, residues 25-45): RITRLQEKED[Leu35Pro]QELNDRLAVY

ClinVar aggregate classification (germline): Pathogenic/Likely pathogenic. Review status: criteria provided, multiple submitters, no conflicts (2 of 4 stars). 5 submissions from 5 submitters: Pathogenic (1); Likely pathogenic (3). 1 of the submissions does not count toward it. Last evaluated 2025-05-22.

Conditions:
Muscular dystrophy. Identifiers: Orphanet 98473, MedGen C0026850, MeSH D009136, MONDO:0020121, HP:0003560.
Charcot-Marie-Tooth disease type 2. Also called: Charcot-Marie-Tooth type 2. Identifiers: Orphanet 64746, MedGen C0270914, MONDO:0018993.

Submissions (5):

Revvity Omics, Revvity
Classification: Likely pathogenic. Last evaluated: 2025-05-22. Review status: criteria provided, single submitter. Criteria: ACMG Guidelines, 2015. Collection method: clinical testing. Allele origin: germline.

Labcorp Genetics (formerly Invitae), Labcorp
Classification: Likely pathogenic for Charcot-Marie-Tooth disease type 2. Last evaluated: 2023-11-27. Review status: criteria provided, single submitter. Criteria: Invitae Variant Classification Sherloc (09022015). Collection method: clinical testing. Allele origin: germline.
Comment: This sequence change replaces leucine, which is neutral and non-polar, with proline, which is neutral and non-polar, at codon 35 of the LMNA protein (p.Leu35Pro). This variant is not present in population databases (gnomAD no frequency). This missense change has been observed in individuals with autosomal dominant LMNA-related conditions (PMID: 20886652, 27938454, 34240052). ClinVar contains an entry for this variant (Variation ID: 66765). Advanced modeling of protein sequence and biophysical properties (such as structural, functional, and spatial information, amino acid conservation, physicochemical variation, residue mobility, and thermodynamic stability) performed at Invitae indicates that this missense variant is expected to disrupt LMNA protein function with a positive predictive value of 95%. Experimental studies have shown that this missense change affects LMNA function (PMID: 34862408). This variant disrupts the p.Leu35 amino acid residue in LMNA. Other variant(s) that disrupt this residue have been observed in individuals with LMNA-related conditions (PMID: 14684700), which suggests that this may be a clinically significant amino acid residue. In summary, the currently available evidence indicates that the variant is pathogenic, but additional data are needed to prove that conclusively. Therefore, this variant has been classified as Likely Pathogenic.

Clinical Genetics Laboratory, Skane University Hospital Lund
Classification: Pathogenic. Last evaluated: 2023-08-02. Review status: criteria provided, single submitter. Criteria: ACMG Guidelines, 2015. Collection method: clinical testing. Allele origin: germline. Affected: yes.

Genetic Services Laboratory, University of Chicago
Classification: Likely pathogenic for Muscular dystrophy. Last evaluated: 2013-02-08. Review status: criteria provided, single submitter. Criteria: ACMG Guidelines, 2007. Collection method: clinical testing. Allele origin: germline. Affected: yes.

Epithelial Biology;  Institute of Medical Biology, Singapore
No classification provided. Review status: no classification provided. Collection method: not provided. Allele origin: not provided. Not counted in ClinVar's aggregate classification.

Literature cited by the submitters: PubMed 20886652 (cited by Labcorp Genetics (formerly Invitae), Labcorp); PubMed 27938454 (cited by Labcorp Genetics (formerly Invitae), Labcorp); PubMed 34240052 (cited by Labcorp Genetics (formerly Invitae), Labcorp); PubMed 34862408 (cited by Labcorp Genetics (formerly Invitae), Labcorp); PubMed 14684700 (cited by Labcorp Genetics (formerly Invitae), Labcorp).